The following is an entry in ClinVar:

NM_007078.3(LDB3):c.1571C>T (p.Ala524Val)

Gene: LDB3 (LIM domain binding 3; plus strand). Cytogenetic location: 10q23.2.
Variant type: single nucleotide variant.
Coding change: c.1571C>T on transcript NM_007078.3 (MANE Select); coding-DNA position 1571, C replaced by T.
Protein change: p.Ala524Val; replaces alanine 524 with valine.
Molecular consequence: missense variant.
Genome position (GRCh38, 1-based): chr10:86,716,666, C>T. VCF-style: chr10-86716666-C-T. GRCh37 (hg19) VCF-style: chr10-88476423-C-T.
Other names: c.1241C>T, p.Ala414Val (NM_001080114.2); c.1586C>T, p.Ala529Val (NM_001171610.2); c.1382C>T, p.Ala461Val (NM_001368064.1, NM_001368065.1); c.1430C>T, p.Ala477Val (NM_001368066.1); short protein forms A414V, A529V, A461V, A477V, A524V.
Identifiers: ClinVar variation 4752015 (VCV004752015.1).
Genomic context (GRCh38, chr10:86,716,666, plus strand): 5'-AGAGCACCACCTCCATCAGCAAGCAGACCCTGCCCCGGGGAGGCCCAGCCTACACCCCAG[C>T]GGGTCCTCAGGTGCCACCACTTGCCAGGGGGACCGTCCAGAGGGCTGAGCGATTCCCAGC-3'
Protein context (NP_009009.1, residues 514-534): LPRGGPAYTP[Ala524Val]GPQVPPLARG

ClinVar aggregate classification (germline): Uncertain significance (1 of 4 stars; one submission).

Conditions:
Myofibrillar myopathy 4. Also called: Zaspopathy (type). Identifiers: Orphanet 98912, MedGen C4721886, MONDO:0012277, OMIM 609452.

gnomAD v4.1: 11 of 1,613,990 alleles (0.00068%); highest among the groups gnomAD compares: South Asian, 0.0022%; no homozygotes.

Submission:

Labcorp Genetics (formerly Invitae), Labcorp
Classification: Uncertain significance for Myofibrillar myopathy 4. Last evaluated: 2025-09-02. Review status: criteria provided, single submitter. Criteria: Invitae Variant Classification Sherloc (09022015). Collection method: clinical testing. Allele origin: germline.
Comment: The LDB3 gene has multiple clinically relevant transcripts. This variant occurs in alternate transcript NM_007078.3, and corresponds to NM_001080116.1:c.*17292C>T in the primary transcript. This sequence change replaces alanine, which is neutral and non-polar, with valine, which is neutral and non-polar, at codon 524 of the LDB3 protein (p.Ala524Val). This variant is not present in population databases (gnomAD no frequency). This variant has not been reported in the literature in individuals affected with LDB3-related conditions. In summary, the available evidence is currently insufficient to determine the role of this variant in disease. Therefore, it has been classified as a Variant of Uncertain Significance.